The following is an entry in ClinVar:

NM_000179.3(MSH6):c.3833C>G (p.Pro1278Arg)

Gene: MSH6 (mutS homolog 6; plus strand). Cytogenetic location: 2p16.3.
Variant type: single nucleotide variant.
Coding change: c.3833C>G on transcript NM_000179.3 (MANE Select); coding-DNA position 3833, C replaced by G.
Protein change: p.Pro1278Arg; replaces proline 1278 with arginine.
Molecular consequence: missense variant.
Genome position (GRCh38, 1-based): chr2:47,806,483, C>G. VCF-style: chr2-47806483-C-G. GRCh37 (hg19) VCF-style: chr2-48033622-C-G.
Other names: c.3443C>G, p.Pro1148Arg (NM_001281492.2); c.2927C>G, p.Pro976Arg (NM_001281493.2, NM_001281494.2); short protein forms P1278R, P976R, P1148R.
Identifiers: ClinVar variation 41594 (VCV000041594.25), dbSNP rs201191389, ClinGen allele CA014479.
Genomic context (GRCh38, chr2:47,806,483, plus strand): 5'-ATGTATCGCTAATATTTTTCTTTCTTAAGGCATGCATGGTAGAAAATGAATGTGAAGACC[C>G]CAGCCAGGAGACTATTACGTTCCTCTATAAATTCATTAAGGGAGCTTGTCCTAAAAGCTA-3'
Protein context (NP_000170.1, residues 1268-1288): ACMVENECED[Pro1278Arg]SQETITFLYK

ClinVar aggregate classification (germline): Uncertain significance. Review status: criteria provided, multiple submitters, no conflicts (2 of 4 stars). 10 submissions from 10 submitters: Uncertain significance (8). 2 of the submissions do not count toward it. Last evaluated 2025-08-18.

Conditions:
Hereditary nonpolyposis colorectal neoplasms. Identifiers: MedGen C0009405, MeSH D003123.
Hereditary cancer-predisposing syndrome. Also called: Hereditary neoplastic syndrome; Neoplastic Syndromes, Hereditary; Hereditary Cancer Syndrome; Tumor predisposition. Identifiers: Orphanet 140162, MedGen C0027672, MeSH D009386, MONDO:0015356.
Lynch syndrome 5 (LYNCH5). Also called: Colorectal cancer, hereditary nonpolyposis, type 5; Hereditary non-polyposis colorectal cancer, type 5. Identifiers: Orphanet 144, MedGen C1833477, MONDO:0013710, OMIM 614350. Disease mechanism: loss of function.
Endometrial carcinoma. Also called: Endometrial carcinoma, somatic. Identifiers: MedGen C0476089, MONDO:0002447, OMIM 608089, HP:0012114.

Submissions (10):

Labcorp Genetics (formerly Invitae), Labcorp
Classification: Uncertain significance for Hereditary nonpolyposis colorectal neoplasms. Last evaluated: 2025-08-18. Review status: criteria provided, single submitter. Criteria: Invitae Variant Classification Sherloc (09022015). Collection method: clinical testing. Allele origin: germline.
Comment: This sequence change replaces proline, which is neutral and non-polar, with arginine, which is basic and polar, at codon 1278 of the MSH6 protein (p.Pro1278Arg). This variant is not present in population databases (gnomAD no frequency). This variant has not been reported in the literature in individuals affected with MSH6-related conditions. ClinVar contains an entry for this variant (Variation ID: 41594). Invitae Evidence Modeling of protein sequence and biophysical properties (such as structural, functional, and spatial information, amino acid conservation, physicochemical variation, residue mobility, and thermodynamic stability) indicates that this missense variant is not expected to disrupt MSH6 protein function with a negative predictive value of 95%. In summary, the available evidence is currently insufficient to determine the role of this variant in disease. Therefore, it has been classified as a Variant of Uncertain Significance.

Women's Health and Genetics/Laboratory Corporation of America, LabCorp
Classification: Uncertain significance. Last evaluated: 2025-07-08. Review status: criteria provided, single submitter. Criteria: LabCorp Variant Classification Summary - May 2015. Collection method: clinical testing. Allele origin: germline.
Comment: Variant summary: MSH6 c.3833C>G (p.Pro1278Arg) results in a non-conservative amino acid change in the encoded protein sequence. Algorithms developed to predict the effect of missense changes on protein structure and function all suggest that this variant is likely to be disruptive. The variant was absent in 250920 control chromosomes. The available data on variant occurrences in the general population are insufficient to allow any conclusion about variant significance. To our knowledge, no occurrence of c.3833C>G in individuals affected with Lynch Syndrome and no experimental evidence demonstrating its impact on protein function have been reported. ClinVar contains an entry for this variant (Variation ID: 41594). Based on the evidence outlined above, the variant was classified as uncertain significance.

Color Diagnostics, LLC DBA Color Health
Classification: Uncertain significance for Hereditary cancer-predisposing syndrome. Last evaluated: 2025-03-17. Review status: criteria provided, single submitter. Criteria: ACMG Guidelines, 2015. Collection method: clinical testing. Allele origin: germline.
Comment: This missense variant replaces proline with arginine at codon 1278 of the MSH6 protein. Computational prediction is inconclusive regarding the impact of this variant on protein structure and function. To our knowledge, functional studies have not been reported for this variant. This variant has not been reported in individuals affected with MSH6-related disorders in the literature. This variant has not been identified in the general population by the Genome Aggregation Database (gnomAD). The available evidence is insufficient to determine the role of this variant in disease conclusively. Therefore, this variant is classified as a Variant of Uncertain Significance.

Molecular Pathology, Peter Maccallum Cancer Centre
Classification: Uncertain significance for Lynch syndrome 5. Last evaluated: 2025-01-21. Review status: criteria provided, single submitter. Criteria: ACMG Guidelines, 2015. Collection method: clinical testing. Allele origin: germline. Inheritance: Autosomal dominant inheritance.

Ambry Genetics
Classification: Uncertain significance for Hereditary cancer-predisposing syndrome. Last evaluated: 2024-08-06. Review status: criteria provided, single submitter. Criteria: Ambry Variant Classification Scheme 2023. Collection method: clinical testing. Allele origin: germline.
Comment: The p.P1278R variant (also known as c.3833C>G), located in coding exon 9 of the MSH6 gene, results from a C to G substitution at nucleotide position 3833. The proline at codon 1278 is replaced by arginine, an amino acid with dissimilar properties. This variant was detected as a secondary finding in 1 out of 572 ClinSeq participants, unselected for personal or family history of cancer, who underwent exome sequencing; however, the clinical information for this particular individual was not provided (Johnston JJ et al. Am. J. Hum. Genet., 2012 Jul;91:97-108). This amino acid position is highly conserved in available vertebrate species. In addition, this alteration is predicted to be deleterious by in silico analysis. Since supporting evidence is limited at this time, the clinical significance of this alteration remains unclear.

Baylor Genetics
Classification: Uncertain significance for Endometrial carcinoma. Last evaluated: 2023-06-20. Review status: criteria provided, single submitter. Criteria: ACMG Guidelines, 2015. Collection method: clinical testing. Allele origin: unknown.

Myriad Genetics, Inc.
Classification: Uncertain significance for Lynch syndrome 5. Last evaluated: 2023-03-30. Review status: criteria provided, single submitter. Criteria: Myriad Autosomal Dominant, Autosomal Recessive and X-Linked Classification Criteria (2023). Collection method: clinical testing. Allele origin: unknown.
Comment: This variant is classified as a variant of uncertain significance as there is insufficient evidence to determine its impact on protein function and/or cancer risk.

GeneDx
Classification: Uncertain significance. Last evaluated: 2022-06-10. Review status: criteria provided, single submitter. Criteria: GeneDx Variant Classification Process June 2021. Collection method: clinical testing. Allele origin: germline. Affected: yes.
Comment: Not observed at significant frequency in large population cohorts (gnomAD); In silico analysis supports that this missense variant has a deleterious effect on protein structure/function; Observed in an individual with atherosclerosis, with no specific information about cancer history (Johnston 2012); This variant is associated with the following publications: (PMID: 22703879, 17531815, 21120944)

Counsyl
Classification: Uncertain significance for Lynch syndrome 5. Last evaluated: 2015-12-22. Review status: no assertion criteria provided. Collection method: clinical testing. Allele origin: unknown. Not counted in ClinVar's aggregate classification.

Biesecker Lab/Clinical Genomics Section, National Institutes of Health
Classification: Uncertain significance. Last evaluated: 2012-07-13. Review status: no assertion criteria provided. Collection method: research. Allele origin: germline. Affected: no. Observed: 1 variant allele. Study: ClinSeq. Not counted in ClinVar's aggregate classification.
ClinVar note: Converted during submission from variant of unknown significance to Uncertain significance.